The following is an entry in ClinVar:

NM_001077365.2(POMT1):c.226G>A (p.Gly76Arg)

Gene: POMT1 (protein O-mannosyltransferase 1; plus strand). Cytogenetic location: 9q34.13.
Variant type: single nucleotide variant.
Coding change: c.226G>A on transcript NM_001077365.2 (MANE Select); coding-DNA position 226, G replaced by A.
Protein change: p.Gly76Arg; replaces glycine 76 with arginine.
Molecular consequence: missense variant. On other transcripts: non-coding transcript variant (7), intron variant (8).
Genome position (GRCh38, 1-based): chr9:131,506,217, G>A. VCF-style: chr9-131506217-G-A. GRCh37 (hg19) VCF-style: chr9-134381604-G-A.
Other names: c.64G>A, p.Gly22Arg (NM_001077366.2, NM_001353194.2, NM_001353197.2 and 3 more transcripts); c.226G>A, p.Gly76Arg (NM_001136113.2, NM_001353193.2, NM_001374690.1 and 1 more transcripts); c.-71-1151G>A (NM_001374691.1, NM_001374692.1); c.123-186G>A (NM_001353196.2); c.-122-186G>A (NM_001353195.2, NM_001353199.2, NM_001136114.2); c.-30+1877G>A (NM_001374695.1); c.-80-186G>A (NM_001353200.2); short protein forms G76R, G22R.
Identifiers: ClinVar variation 3238 (VCV000003238.42), dbSNP rs28941782, ClinGen allele CA278040.

ClinVar aggregate classification (germline): Pathogenic/Likely pathogenic. Review status: criteria provided, multiple submitters, no conflicts (2 of 4 stars). 3 submissions from 3 submitters: Pathogenic (1); Likely pathogenic (1). 1 of the submissions does not count toward it. Last evaluated 2024-11-20.

Conditions:
Autosomal recessive limb-girdle muscular dystrophy. Identifiers: Orphanet 102015, MedGen C2931907, MONDO:0015152.
Muscular dystrophy-dystroglycanopathy (congenital with brain and eye anomalies), type A1 (MDDGA1). Also called: WALKER-WARBURG SYNDROME OR MUSCLE-EYE-BRAIN DISEASE, POMT1-RELATED; Hydrocephalus, agyria and retinal dysplasia; Hard +/- E syndrome; Warburg syndrome; Chemke syndrome; Pagon syndrome. Identifiers: Orphanet 588, Orphanet 899, MedGen C4284790, MONDO:0009364, OMIM 236670.

Allele frequency attached by ClinVar (database versions not stated): gnomAD exomes below 0.00001.

Submissions (3):

Women's Health and Genetics/Laboratory Corporation of America, LabCorp
Classification: Likely pathogenic for Autosomal recessive limb-girdle muscular dystrophy. Last evaluated: 2024-11-20. Review status: criteria provided, single submitter. Criteria: LabCorp Variant Classification Summary - May 2015. Collection method: clinical testing. Allele origin: germline.
Comment: Variant summary: POMT1 c.226G>A (p.Gly76Arg) results in a non-conservative amino acid change located in the Dolichyl-phosphate-mannose-protein mannosyltransferase domain (IPR003342) of the encoded protein sequence. Four of five in-silico tools predict a damaging effect of the variant on protein function. The variant was absent in 251484 control chromosomes. c.226G>A has been reported in the literature in a homozygous individual affected with Severe Neuronal Migration Disorder Walker-Warburg Syndrome (Beltran-Valero_2002). These data indicate that the variant may be associated with disease. At least one publication reports experimental evidence evaluating an impact on protein function. The most pronounced variant effect results in total loss of normal enzymatic activity in an in vitro assay (Akasaka-Manya_2004). The following publications have been ascertained in the context of this evaluation (PMID: 15522202, 12369018). ClinVar contains an entry for this variant (Variation ID: 3238). Based on the evidence outlined above, the variant was classified as likely pathogenic.

CeGaT Center for Human Genetics Tuebingen
Classification: Pathogenic. Last evaluated: 2020-02-01. Review status: criteria provided, single submitter. Criteria: CeGaT Center For Human Genetics Tuebingen Variant Classification Criteria Version 2. Collection method: clinical testing. Allele origin: germline. Affected: yes. Observed: 1 variant allele.

OMIM
Classification: Pathogenic for MUSCULAR DYSTROPHY-DYSTROGLYCANOPATHY (CONGENITAL WITH EYE AND BRAIN ANOMALIES), TYPE A, 1. Last evaluated: 2002-11-01. Review status: no assertion criteria provided. Collection method: literature only. Allele origin: germline. Not counted in ClinVar's aggregate classification.

Literature cited by the submitters: PubMed 15522202 (cited by Women's Health and Genetics/Laboratory Corporation of America, LabCorp); PubMed 12369018 (cited by Women's Health and Genetics/Laboratory Corporation of America, LabCorp and OMIM); PubMed 11320179 (cited by OMIM).